The following is an entry in ClinVar:

ClinVar aggregate classification (germline): Uncertain significance (1 of 4 stars; one submission).

Conditions:
Hereditary cancer-predisposing syndrome. Also called: Neoplastic Syndromes, Hereditary; Tumor predisposition; Hereditary Cancer Syndrome; Hereditary neoplastic syndrome. Identifiers: Orphanet 140162, MedGen C0027672, MeSH D009386, MONDO:0015356.

Submission:

Ambry Genetics
Classification: Uncertain significance for Hereditary cancer-predisposing syndrome. Last evaluated: 2020-12-17. Review status: criteria provided, single submitter. Criteria: Ambry Variant Classification Scheme 2023. Collection method: clinical testing. Allele origin: germline.
Comment: The p.N1147K variant (also known as c.3441T>A), located in coding exon 19 of the BRIP1 gene, results from a T to A substitution at nucleotide position 3441. The asparagine at codon 1147 is replaced by lysine, an amino acid with similar properties. This amino acid position is not well conserved in available vertebrate species. In addition, this alteration is predicted to be tolerated by in silico analysis. Since supporting evidence is limited at this time, the clinical significance of this alteration remains unclear.

NM_032043.3(BRIP1):c.3441T>A (p.Asn1147Lys)

Gene: BRIP1 (BRCA1 interacting DNA helicase 1; minus strand). Cytogenetic location: 17q23.2.
Variant type: single nucleotide variant.
Coding change: c.3441T>A on transcript NM_032043.3 (MANE Select); coding-DNA position 3441, T replaced by A.
Protein change: p.Asn1147Lys; replaces asparagine 1147 with lysine.
Molecular consequence: missense variant.
Genome position (GRCh38, 1-based): chr17:61,683,605, A>T on the plus strand (T>A on the coding strand, the complement: BRIP1 is on the minus strand). VCF-style: chr17-61683605-A-T. GRCh37 (hg19) VCF-style: chr17-59760966-A-T.
Other names: short protein forms N1147K.
Identifiers: ClinVar variation 1731476 (VCV001731476.2), dbSNP rs1603275034, ClinGen allele CA400478718.
Genomic context (GRCh38, chr17:61,683,605, plus strand): 5'-AGCTAAAATGCAATCTGAATTGTTAGCCAATCTATTTCCTCTATCAGTTTCAGCTAGGTC[A>T]TTTTTTTCTTCATCTGTATCTTCAGGATCATAAAGTTCAGGTGTAAAATAGATAGATTCA-3'
Protein context (NP_114432.2, residues 1137-1157): YDPEDTDEEK[Asn1147Lys]DLAETDRGNR